The following is an entry in ClinVar:

NM_001105206.3(LAMA4):c.4391G>C (p.Arg1464Thr)

Gene: LAMA4 (laminin subunit alpha 4; minus strand). Cytogenetic location: 6q21.
Variant type: single nucleotide variant.
Coding change: c.4391G>C on transcript NM_001105206.3 (MANE Select); coding-DNA position 4391, G replaced by C.
Protein change: p.Arg1464Thr; replaces arginine 1464 with threonine.
Molecular consequence: missense variant.
Genome position (GRCh38, 1-based): chr6:112,122,098, C>G on the plus strand (G>C on the coding strand, the complement: LAMA4 is on the minus strand). VCF-style: chr6-112122098-C-G. GRCh37 (hg19) VCF-style: chr6-112443301-C-G.
Other names: c.4370G>C, p.Arg1457Thr (NM_001105207.3, NM_002290.5); short protein forms R1457T, R1464T.
Identifiers: ClinVar variation 1740091 (VCV001740091.2), dbSNP rs368493878, ClinGen allele CA144883645.

ClinVar aggregate classification (germline): Uncertain significance (1 of 4 stars; one submission).

Conditions:
Cardiovascular phenotype. Identifiers: MedGen CN230736.

Allele frequency attached by ClinVar (database versions not stated): gnomAD exomes below 0.00001.
gnomAD v4.1: 2 of 1,613,890 alleles (0.00012%); highest among the groups gnomAD compares: South Asian, 0.0022%; no homozygotes.

Submission:

Ambry Genetics
Classification: Uncertain significance for Cardiovascular phenotype. Last evaluated: 2024-03-15. Review status: criteria provided, single submitter. Criteria: Ambry Variant Classification Scheme 2023. Collection method: clinical testing. Allele origin: germline.
Comment: The p.R1457T variant (also known as c.4370G>C), located in coding exon 31 of the LAMA4 gene, results from a G to C substitution at nucleotide position 4370. The arginine at codon 1457 is replaced by threonine, an amino acid with similar properties. This amino acid position is conserved. In addition, this alteration is predicted to be tolerated by in silico analysis. Since supporting evidence is limited at this time, the clinical significance of this alteration remains unclear.